The following is an entry in ClinVar:

NM_001378457.1(DMXL2):c.8330C>T (p.Ala2777Val)

Gene: DMXL2 (Dmx like 2; minus strand). Cytogenetic location: 15q21.2.
Variant type: single nucleotide variant.
Coding change: c.8330C>T on transcript NM_001378457.1 (MANE Select); coding-DNA position 8330, C replaced by T.
Protein change: p.Ala2777Val; replaces alanine 2777 with valine.
Molecular consequence: missense variant. On other transcripts: non-coding transcript variant (2).
Genome position (GRCh38, 1-based): chr15:51,457,335, G>A on the plus strand (C>T on the coding strand, the complement: DMXL2 is on the minus strand). VCF-style: chr15-51457335-G-A. GRCh37 (hg19) VCF-style: chr15-51749532-G-A.
Other names: c.8267C>T, p.Ala2756Val (NM_001174116.3); c.6356C>T, p.Ala2119Val (NM_001174117.3); c.8327C>T, p.Ala2776Val (NM_001378458.1); c.8042C>T, p.Ala2681Val (NM_001378459.1); c.6245C>T, p.Ala2082Val (NM_001378460.1); c.8264C>T, p.Ala2755Val (NM_015263.5); short protein forms A2082V, A2119V, A2681V, A2755V, A2756V, A2776V, A2777V.
Identifiers: ClinVar variation 1717731 (VCV001717731.5), dbSNP rs2542992624, ClinGen allele CA392436135.

ClinVar aggregate classification (germline): Uncertain significance (1 of 4 stars; one submission).

Allele frequency attached by ClinVar (database versions not stated): gnomAD exomes below 0.00001.
gnomAD v4.1: 1 of 1,613,324 alleles (0.000062%); highest among the groups gnomAD compares: Non-Finnish European, 0.000085%; no homozygotes.

Submission:

Labcorp Genetics (formerly Invitae), Labcorp
Classification: Uncertain significance. Last evaluated: 2022-08-22. Review status: criteria provided, single submitter. Criteria: Invitae Variant Classification Sherloc (09022015). Collection method: clinical testing. Allele origin: germline.
Comment: In summary, the available evidence is currently insufficient to determine the role of this variant in disease. Therefore, it has been classified as a Variant of Uncertain Significance. Algorithms developed to predict the effect of missense changes on protein structure and function are either unavailable or do not agree on the potential impact of this missense change (SIFT: "Tolerated"; PolyPhen-2: "Probably Damaging"; Align-GVGD: "Class C0"). This variant has not been reported in the literature in individuals affected with DMXL2-related conditions. This variant is not present in population databases (gnomAD no frequency). This sequence change replaces alanine, which is neutral and non-polar, with valine, which is neutral and non-polar, at codon 2756 of the DMXL2 protein (p.Ala2756Val).